The following is an entry in ClinVar:

NM_024757.5(EHMT1):c.1307C>T (p.Pro436Leu)

Gene: EHMT1 (euchromatic histone lysine methyltransferase 1; plus strand). Cytogenetic location: 9q34.3.
Variant type: single nucleotide variant.
Coding change: c.1307C>T on transcript NM_024757.5 (MANE Select); coding-DNA position 1307, C replaced by T.
Protein change: p.Pro436Leu; replaces proline 436 with leucine.
Molecular consequence: missense variant.
Genome position (GRCh38, 1-based): chr9:137,754,229, C>T. VCF-style: chr9-137754229-C-T. GRCh37 (hg19) VCF-style: chr9-140648681-C-T.
Other names: c.1307C>T, p.Pro436Leu (NM_001145527.2, NM_001354611.2); c.1214C>T, p.Pro405Leu (NM_001354259.2, NM_001354612.2); c.1286C>T, p.Pro429Leu (NM_001354263.2); short protein forms P436L, P429L, P405L.
Identifiers: ClinVar variation 225043 (VCV000225043.16), dbSNP rs869312936, ClinGen allele CA358187.

ClinVar aggregate classification (germline): Uncertain significance. Review status: criteria provided, multiple submitters, no conflicts (2 of 4 stars). 4 submissions from 4 submitters: Uncertain significance (4). Last evaluated 2026-02-18.

Conditions:
Inborn genetic diseases. Identifiers: MedGen C0950123, MeSH D030342.
Kleefstra syndrome 1 (KLEFS1). Identifiers: Orphanet 261494, MedGen C0795833, MONDO:0027407, OMIM 610253.

Submissions (4):

Dasa
Classification: Uncertain significance for Kleefstra syndrome 1. Last evaluated: 2026-02-18. Review status: criteria provided, single submitter. Criteria: DASA Assertion Criteria. Collection method: clinical testing. Allele origin: germline.
Comment: NM_024757.5(EHMT1):c.1307C>T (p.Pro436Leu) is a missense variant that results in the substitution of proline with leucine. This variant is rare in population databases. The currently available literature and clinical evidence are not sufficient to establish a definitive association between this variant and the reported condition. Therefore, this variant is classified as a variant of uncertain significance.

Ambry Genetics
Classification: Uncertain significance for Inborn genetic diseases. Last evaluated: 2024-11-01. Review status: criteria provided, single submitter. Criteria: Ambry Variant Classification Scheme 2023. Collection method: clinical testing. Allele origin: germline.
Comment: The c.1307C>T (p.P436L) alteration is located in coding exon 8 of the EHMT1 gene. This alteration results from a C to T substitution at nucleotide position 1307, causing the proline (P) at amino acid position 436 to be replaced by a leucine (L). This variant was not reported in population-based cohorts in the Genome Aggregation Database (gnomAD). This amino acid position is highly conserved in available vertebrate species. The in silico prediction for this alteration is inconclusive. Based on insufficient or conflicting evidence, the clinical significance of this alteration remains unclear.

Labcorp Genetics (formerly Invitae), Labcorp
Classification: Uncertain significance for Kleefstra syndrome 1. Last evaluated: 2024-03-10. Review status: criteria provided, single submitter. Criteria: Invitae Variant Classification Sherloc (09022015). Collection method: clinical testing. Allele origin: germline.
Comment: This sequence change replaces proline, which is neutral and non-polar, with leucine, which is neutral and non-polar, at codon 436 of the EHMT1 protein (p.Pro436Leu). This variant is not present in population databases (gnomAD no frequency). This variant has not been reported in the literature in individuals affected with EHMT1-related conditions. ClinVar contains an entry for this variant (Variation ID: 225043). Advanced modeling of protein sequence and biophysical properties (such as structural, functional, and spatial information, amino acid conservation, physicochemical variation, residue mobility, and thermodynamic stability) performed at Invitae indicates that this missense variant is not expected to disrupt EHMT1 protein function with a negative predictive value of 80%. In summary, the available evidence is currently insufficient to determine the role of this variant in disease. Therefore, it has been classified as a Variant of Uncertain Significance.

New York Genome Center
Classification: Uncertain significance for Kleefstra syndrome 1. Last evaluated: 2021-06-11. Review status: criteria provided, single submitter. Criteria: NYGC Assertion Criteria 2020. Collection method: clinical testing. Allele origin: germline. Observed: 1 heterozygote. Study: CSER-NYCKidSeq.
Comment: The heterozygous c.1307C>T (p.Pro436Leu) missense variant identified in the EHMT1 gene has not been reported in affected individuals in the literature to the best of our knowledge. The variant has been reported in ClinVar by one laboratory as Likely Pathogenic [Variation ID: 225043, one submission dated 2012]. The variant is absent from gnomAD(v3) database suggesting it is not a common benign variant in the populations represented in that database. The variant affects an evolutionarily conserved residue. In silico tools provide conflicting predictions about potential pathogenicity of this variant (CADD score = 23.3, REVEL score = 0.207). Based on the available evidence, the heterozygous c.1307C>T (p.Pro436Leu) missense variant identified in the EHMT1 gene is reported as a variant of uncertain significance.